The following is an entry in ClinVar:

ClinVar aggregate classification (germline): Uncertain significance. Review status: criteria provided, multiple submitters, no conflicts (2 of 4 stars). 2 submissions from 2 submitters: Uncertain significance (2). Last evaluated 2024-11-15.

Conditions:
Congenital myopathy with internal nuclei and atypical cores. Also called: Myopathy, centronuclear, 4. Identifiers: Orphanet 319160, MedGen C4707232, MONDO:0013890, OMIM 614807.
CCDC78-related disorder. Also called: CCDC78-related condition.

Submissions (2):

Labcorp Genetics (formerly Invitae), Labcorp
Classification: Uncertain significance for Congenital myopathy with internal nuclei and atypical cores. Last evaluated: 2024-11-15. Review status: criteria provided, single submitter. Criteria: Invitae Variant Classification Sherloc (09022015). Collection method: clinical testing. Allele origin: germline.
Comment: This sequence change disrupts the translational stop signal of the CCDC78 mRNA. It is expected to extend the length of the CCDC78 protein by 2 additional amino acid residues. This variant is not present in population databases (gnomAD no frequency). This variant has not been reported in the literature in individuals affected with CCDC78-related conditions. ClinVar contains an entry for this variant (Variation ID: 2633552). In summary, the available evidence is currently insufficient to determine the role of this variant in disease. Therefore, it has been classified as a Variant of Uncertain Significance.

PreventionGenetics, part of Exact Sciences
Classification: Uncertain significance for CCDC78-related condition. Last evaluated: 2023-03-09. Review status: criteria provided, single submitter. Criteria: ACMG Guidelines, 2015. Collection method: clinical testing. Allele origin: germline.
Comment: The CCDC78 c.1315T>C variant is predicted to result in extension of the open reading frame (p.*439Argext*2). To our knowledge, this variant has not been reported in the literature or in a large population database, indicating this variant is rare. At this time, the clinical significance of this variant is uncertain due to the absence of conclusive functional and genetic evidence.

NM_001378030.1(CCDC78):c.1319T>C (p.Leu440Pro)

Gene: CCDC78 (coiled-coil domain containing 78; minus strand). Cytogenetic location: 16p13.3.
Variant type: single nucleotide variant.
Coding change: c.1319T>C on transcript NM_001378030.1 (MANE Select); coding-DNA position 1319, T replaced by C.
Protein change: p.Leu440Pro; replaces leucine 440 with proline.
Molecular consequence: missense variant. On other transcripts: stop lost (1), non-coding transcript variant (5).
Genome position (GRCh38, 1-based): chr16:722,772, A>G on the plus strand (T>C on the coding strand, the complement: CCDC78 is on the minus strand). VCF-style: chr16-722772-A-G. GRCh37 (hg19) VCF-style: chr16-772772-A-G.
Other names: c.1315T>C, p.Ter439Arg (NM_001031737.3); c.1139T>C, p.Leu380Pro (NM_001378031.1); c.752T>C, p.Leu251Pro (NM_001378033.1); short protein forms L251P, L380P, L440P.
Identifiers: ClinVar variation 2633552 (VCV002633552.3), dbSNP rs2040323309, ClinGen allele CA394097065.
Genomic context (GRCh38, chr16:722,772, plus strand): 5'-GCTGGAGGCACAGCCCCCACTTTCCAGGGGTCCCCTGCACCTGCCAGCTTCCTCAGCCTC[A>G]GGATTTCGTGCTTGTACCTGCTCAGAGGAACCATGCTTAAGTGACTTGCCCAGCTGTGGA-3'
Protein context (NP_001364959.1, residues 430-450): QHLGRYKHEI[Leu440Pro]RLRKLAGAGD